The following is an entry in ClinVar:

NM_001987.5(ETV6):c.102T>G (p.His34Gln)

Gene: ETV6 (ETS variant transcription factor 6; plus strand). Cytogenetic location: 12p13.2.
Variant type: single nucleotide variant.
Coding change: c.102T>G on transcript NM_001987.5 (MANE Select); coding-DNA position 102, T replaced by G.
Protein change: p.His34Gln; replaces histidine 34 with glutamine.
Molecular consequence: missense variant.
Genome position (GRCh38, 1-based): chr12:11,752,518, T>G. VCF-style: chr12-11752518-T-G. GRCh37 (hg19) VCF-style: chr12-11905452-T-G.
Other names: short protein forms H34Q.
Identifiers: ClinVar variation 1305723 (VCV001305723.4), dbSNP rs767627393, ClinGen allele CA232546571.
Genomic context (GRCh38, chr12:11,752,518, plus strand): 5'-AATTTCATATACACCTCCAGAGAGCCCAGTGCCGAGTTACGCTTCCTCGACGCCACTTCA[T>G]GTTCCAGTGCCTCGAGCGCTCAGGATGGAGGAAGACTCGATCCGCCTGCCTGCGCACCTG-3'
Protein context (NP_001978.1, residues 24-44): VPSYASSTPL[His34Gln]VPVPRALRME

ClinVar aggregate classification (germline): Uncertain significance. Review status: criteria provided, multiple submitters, no conflicts (2 of 4 stars). 2 submissions from 2 submitters: Uncertain significance (2). Last evaluated 2024-12-03.

Conditions:
Inborn genetic diseases. Identifiers: MedGen C0950123, MeSH D030342.

Allele frequency attached by ClinVar (database versions not stated): TOPMed below 0.00001; gnomAD 0.00001.
gnomAD v4.1: 12 of 1,613,930 alleles (0.00074%); highest among the groups gnomAD compares: African/African-American, 0.0013%; no homozygotes.

Submissions (2):

Ambry Genetics
Classification: Uncertain significance for Inborn genetic diseases. Last evaluated: 2024-12-03. Review status: criteria provided, single submitter. Criteria: Ambry Variant Classification Scheme 2023. Collection method: clinical testing. Allele origin: germline.
Comment: The p.H34Q variant (also known as c.102T>G), located in coding exon 2 of the ETV6 gene, results from a T to G substitution at nucleotide position 102. The histidine at codon 34 is replaced by glutamine, an amino acid with highly similar properties. This amino acid position is conserved. In addition, the in silico prediction for this alteration is inconclusive. Based on the available evidence, the clinical significance of this variant remains unclear.

GeneDx
Classification: Uncertain significance. Last evaluated: 2023-06-27. Review status: criteria provided, single submitter. Criteria: GeneDx Variant Classification Process June 2021. Collection method: clinical testing. Allele origin: germline. Affected: yes.
Comment: Not observed at significant frequency in large population cohorts (gnomAD); In silico analysis, which includes protein predictors and evolutionary conservation, supports that this variant does not alter protein structure/function; Has not been previously published as pathogenic or benign to our knowledge